The following is an entry in ClinVar:

NM_015335.5(MED13L):c.4607C>T (p.Ala1536Val)

Gene: MED13L (mediator complex subunit 13L; minus strand). Cytogenetic location: 12q24.21.
Variant type: single nucleotide variant.
Coding change: c.4607C>T on transcript NM_015335.5 (MANE Select); coding-DNA position 4607, C replaced by T.
Protein change: p.Ala1536Val; replaces alanine 1536 with valine.
Molecular consequence: missense variant.
Genome position (GRCh38, 1-based): chr12:115,983,465, G>A on the plus strand (C>T on the coding strand, the complement: MED13L is on the minus strand). VCF-style: chr12-115983465-G-A. GRCh37 (hg19) VCF-style: chr12-116421270-G-A.
Other names: short protein forms A1536V.
Identifiers: ClinVar variation 1232375 (VCV001232375.11), dbSNP rs527644823, ClinGen allele CA6810766.

ClinVar aggregate classification (germline): Benign. Review status: criteria provided, multiple submitters, no conflicts (2 of 4 stars). 4 submissions from 4 submitters: Benign (3). 1 of the submissions does not count toward it. Last evaluated 2025-12-22.

Conditions:
MED13L-related disorder. Also called: MED13L-related condition.
Dextro-looped transposition of the great arteries. Also called: Dextrotransposition of the great arteries. Identifiers: Orphanet 860, MedGen C3531771, MONDO:0019443, OMIM 608808, HP:0031348.

Allele frequency attached by ClinVar (database versions not stated): gnomAD 0.00001 and 0.00056; TOPMed 0.00010; gnomAD exomes 0.00104 and 0.00203; ExAC 0.00226; 1000 Genomes Project 0.00339; 1000 Genomes Project 30x 0.00344.
gnomAD v4.1: 1,613 of 1,614,178 alleles (0.1%); highest among the groups gnomAD compares: South Asian, 1.7%; 22 homozygotes.

Submissions (4):

Labcorp Genetics (formerly Invitae), Labcorp
Classification: Benign for Dextro-looped transposition of the great arteries. Last evaluated: 2025-12-22. Review status: criteria provided, single submitter. Criteria: Invitae Variant Classification Sherloc (09022015). Collection method: clinical testing. Allele origin: germline.

GeneDx
Classification: Benign. Last evaluated: 2020-08-26. Review status: criteria provided, single submitter. Criteria: GeneDx Variant Classification Process June 2021. Collection method: clinical testing. Allele origin: germline. Affected: yes.

Breakthrough Genomics
Classification: Benign. Review status: criteria provided, single submitter. Criteria: ACMG Guidelines, 2015. Collection method: not provided. Allele origin: germline. Inheritance: Autosomal dominant inheritance. Affected: yes.

PreventionGenetics, part of Exact Sciences
Classification: Likely benign for MED13L-related condition. Last evaluated: 2019-04-01. Review status: no assertion criteria provided. Collection method: clinical testing. Allele origin: germline. Not counted in ClinVar's aggregate classification.
Comment: This variant is classified as likely benign based on ACMG/AMP sequence variant interpretation guidelines (Richards et al. 2015 PMID: 25741868, with internal and published modifications).